The following is an entry in ClinVar:

ClinVar aggregate classification (germline): Pathogenic (1 of 4 stars; one submission).

Allele frequency attached by ClinVar (database versions not stated): TOPMed 0.00001.
gnomAD v4.1: 2 of 1,613,838 alleles (0.00012%); highest among the groups gnomAD compares: East Asian, 0.0022%; no homozygotes.

Submission:

Labcorp Genetics (formerly Invitae), Labcorp
Classification: Pathogenic. Last evaluated: 2023-03-08. Review status: criteria provided, single submitter. Criteria: Invitae Variant Classification Sherloc (09022015). Collection method: clinical testing. Allele origin: germline.
Comment: ClinVar contains an entry for this variant (Variation ID: 642411). For these reasons, this variant has been classified as Pathogenic. This variant has not been reported in the literature in individuals affected with LAMB3-related conditions. This variant is not present in population databases (gnomAD no frequency). This sequence change creates a premature translational stop signal (p.Gln19*) in the LAMB3 gene. It is expected to result in an absent or disrupted protein product. Loss-of-function variants in LAMB3 are known to be pathogenic (PMID: 11023379, 16473856).

Literature cited by the submitters: PubMed 11023379; PubMed 16473856.

NM_000228.3(LAMB3):c.55C>T (p.Gln19Ter)

Gene: LAMB3 (laminin subunit beta 3; minus strand). Cytogenetic location: 1q32.2.
Variant type: single nucleotide variant.
Coding change: c.55C>T on transcript NM_000228.3 (MANE Select); coding-DNA position 55, C replaced by T.
Protein change: p.Gln19Ter; replaces glutamine 19 with a stop codon.
Molecular consequence: nonsense.
Genome position (GRCh38, 1-based): chr1:209,650,092, G>A on the plus strand (C>T on the coding strand, the complement: LAMB3 is on the minus strand). VCF-style: chr1-209650092-G-A. GRCh37 (hg19) VCF-style: chr1-209823437-G-A.
Other names: c.55C>T, p.Gln19Ter (NM_001017402.2, NM_001127641.1); short protein forms Q19*.
Identifiers: ClinVar variation 642411 (VCV000642411.6), dbSNP rs200672750, ClinGen allele CA344566357.
Genomic context (GRCh38, chr1:209,650,092, plus strand): 5'-GGGTCCTCCCAACAAGCAGGTCCCCAACAGGTGGATAGCAGGCCCCACGGGAGCAGGCTT[G>A]TTGGGCATGCAGGAGGCCAGGCAGGGCTGAAATCACAGGGATGTGTGATGGAGCAGTCCA-3'